The following is an entry in ClinVar:

ClinVar aggregate classification (germline): Uncertain significance (1 of 4 stars; one submission).

Submission:

Labcorp Genetics (formerly Invitae), Labcorp
Classification: Uncertain significance. Last evaluated: 2020-06-08. Review status: criteria provided, single submitter. Criteria: Invitae Variant Classification Sherloc (09022015). Collection method: clinical testing. Allele origin: germline.
Comment: Experimental studies and prediction algorithms are not available or were not evaluated, and the functional significance of this variant is currently unknown. In summary, the available evidence is currently insufficient to determine the role of this variant in disease. Therefore, it has been classified as a Variant of Uncertain Significance. This variant has not been reported in the literature in individuals with KIZ-related conditions. This variant is not present in population databases (ExAC no frequency). This sequence change replaces serine with threonine at codon 512 of the KIZ protein (p.Ser512Thr). There is a small physicochemical difference between serine and threonine.

NM_018474.6(KIZ):c.1534T>A (p.Ser512Thr)

Genes: KIZ (kizuna centrosomal protein; plus strand), KIZ-AS1 (KIZ antisense RNA 1; minus strand). Cytogenetic location: 20p11.23.
Variant type: single nucleotide variant.
Coding change: c.1534T>A on transcript NM_018474.6 (MANE Select); coding-DNA position 1534, T replaced by A.
Protein change: p.Ser512Thr; replaces serine 512 with threonine.
Molecular consequence: missense variant.
Genome position (GRCh38, 1-based): chr20:21,214,622, T>A. VCF-style: chr20-21214622-T-A. GRCh37 (hg19) VCF-style: chr20-21195260-T-A.
Other names: c.1225T>A, p.Ser409Thr (NM_001163022.3); c.1135T>A, p.Ser379Thr (NM_001163023.3); c.1387T>A, p.Ser463Thr (NM_001276389.2); c.1480T>A, p.Ser494Thr (NM_001352434.2); c.1171T>A, p.Ser391Thr (NM_001352435.2); c.1192T>A, p.Ser398Thr (NM_001352436.2); short protein forms S391T, S398T, S463T, S512T, S379T, S409T, S494T.
Identifiers: ClinVar variation 1047723 (VCV001047723.7), dbSNP rs746431611, ClinGen allele CA408490749.